The following is an entry in ClinVar:

ClinVar aggregate classification (germline): Uncertain significance. Review status: criteria provided, multiple submitters, no conflicts (2 of 4 stars). 5 submissions from 5 submitters: Uncertain significance (5). Last evaluated 2026-01-18.

Conditions:
Colorectal cancer, susceptibility to, 12 (CRCS12). Also called: COLORECTAL CANCER, SUSCEPTIBILITY TO, ON CHROMOSOME 12q24. Identifiers: Orphanet 220460, MedGen C3554460, MONDO:0014038, OMIM 615083.
Hereditary cancer-predisposing syndrome. Also called: Hereditary Cancer Syndrome; Hereditary neoplastic syndrome; Neoplastic Syndromes, Hereditary; Tumor predisposition. Identifiers: Orphanet 140162, MedGen C0027672, MeSH D009386, MONDO:0015356.

Allele frequency attached by ClinVar (database versions not stated): gnomAD 0.00001; gnomAD exomes 0.00001 and below 0.00001; TOPMed below 0.00001.
gnomAD v4.1: 7 of 1,610,250 alleles (0.00043%); highest among the groups gnomAD compares: Non-Finnish European, 0.00059%; no homozygotes.

Submissions (5):

Labcorp Genetics (formerly Invitae), Labcorp
Classification: Uncertain significance. Last evaluated: 2026-01-18. Review status: criteria provided, single submitter. Criteria: Invitae Variant Classification Sherloc (09022015). Collection method: clinical testing. Allele origin: germline.
Comment: This sequence change replaces aspartic acid, which is acidic and polar, with glycine, which is neutral and non-polar, at codon 301 of the POLE protein (p.Asp301Gly). This variant is present in population databases (no rsID available, gnomAD 0.002%). This missense change has been observed in individual(s) with colorectal cancer (PMID: 29212164). ClinVar contains an entry for this variant (Variation ID: 405730). Invitae Evidence Modeling of protein sequence and biophysical properties (such as structural, functional, and spatial information, amino acid conservation, physicochemical variation, residue mobility, and thermodynamic stability) indicates that this missense variant is expected to disrupt POLE protein function with a positive predictive value of 80%. In summary, the available evidence is currently insufficient to determine the role of this variant in disease. Therefore, it has been classified as a Variant of Uncertain Significance.

Ambry Genetics
Classification: Uncertain significance for Hereditary cancer-predisposing syndrome. Last evaluated: 2024-09-16. Review status: criteria provided, single submitter. Criteria: Ambry Variant Classification Scheme 2023. Collection method: clinical testing. Allele origin: germline.
Comment: The p.D301G variant (also known as c.902A>G), located in coding exon 9 of the POLE gene, results from an A to G substitution at nucleotide position 902. The aspartic acid at codon 301 is replaced by glycine, an amino acid with similar properties. This amino acid position is highly conserved in available vertebrate species. In addition, the in silico prediction for this alteration is inconclusive. Based on the available evidence, the clinical significance of this variant remains unclear.

Quest Diagnostics Nichols Institute San Juan Capistrano
Classification: Uncertain significance. Last evaluated: 2024-07-25. Review status: criteria provided, single submitter. Criteria: Quest Diagnostics criteria. Collection method: clinical testing. Allele origin: unknown.
Comment: The POLE c.902A>G (p.Asp301Gly) variant has been reported in the published literature in an individual affected with colorectal cancer (PMID: 29212164 (2017)). One functional study reported this variant to have intermediate activity based on the survival of genome-edited haploid cells (PMID: 34749799 (2021)), however, further research is needed. The frequency of this variant in the general population, 0.000008 (2/251400 chromosomes (Genome Aggregation Database)), is uninformative in the assessment of its pathogenicity. Analysis of this variant using bioinformatics tools for the prediction of the effect of amino acid changes on protein structure and function yielded predictions that this variant is damaging. Based on the available information, we are unable to determine the clinical significance of this variant.

GeneDx
Classification: Uncertain significance. Last evaluated: 2024-06-09. Review status: criteria provided, single submitter. Criteria: GeneDx Variant Classification Process June 2021. Collection method: clinical testing. Allele origin: germline. Affected: yes.
Comment: Not observed at significant frequency in large population cohorts (gnomAD); In silico analysis supports that this missense variant has a deleterious effect on protein structure/function; Observed in individuals with familial colorectal cancer (PMID: 29212164); Published functional studies demonstrate intermediate cell survival (PMID: 34749799); This variant is associated with the following publications: (PMID: 27720647, 29056344, 29212164, 20951805, 34749799)

Baylor Genetics
Classification: Uncertain significance for Colorectal cancer, susceptibility to, 12. Last evaluated: 2024-01-05. Review status: criteria provided, single submitter. Criteria: ACMG Guidelines, 2015. Collection method: clinical testing. Allele origin: unknown.

Literature cited by the submitters: PubMed 29212164 (cited by 3 submitters); PubMed 34749799 (cited by Quest Diagnostics Nichols Institute San Juan Capistrano).

NM_006231.4(POLE):c.902A>G (p.Asp301Gly)

Gene: POLE (DNA polymerase epsilon, catalytic subunit; minus strand). Cytogenetic location: 12q24.33.
Variant type: single nucleotide variant.
Coding change: c.902A>G on transcript NM_006231.4 (MANE Select); coding-DNA position 902, A replaced by G.
Protein change: p.Asp301Gly; replaces aspartic acid 301 with glycine.
Molecular consequence: missense variant.
Genome position (GRCh38, 1-based): chr12:132,676,553, T>C on the plus strand (A>G on the coding strand, the complement: POLE is on the minus strand). VCF-style: chr12-132676553-T-C. GRCh37 (hg19) VCF-style: chr12-133253139-T-C.
Other names: short protein forms D301G.
Identifiers: ClinVar variation 405730 (VCV000405730.18), dbSNP rs1060500828, ClinGen allele CA16614029.